The following is an entry in ClinVar:

NC_000017.10:g.(?_29676126)_(29701173_?)dup

Gene: NF1 (neurofibromin 1; plus strand). Cytogenetic location: 17q11.2.
Variant type: Duplication.
Identifiers: ClinVar variation 1372617 (VCV001372617.4).

ClinVar aggregate classification (germline): Uncertain significance (1 of 4 stars; one submission).

Conditions:
Neurofibromatosis, type 1 (NF1). Also called: Peripheral type neurofibromatosis; Neurofibromatosis, type I; NEUROFIBROMATOSIS, TYPE I, SOMATIC; VON RECKLINGHAUSEN DISEASE. Identifiers: Orphanet 636, MedGen C0027831, MONDO:0018975, OMIM 162200. Disease mechanism: loss of function.

Submission:

Labcorp Genetics (formerly Invitae), Labcorp
Classification: Uncertain significance for Neurofibromatosis, type 1. Last evaluated: 2020-12-20. Review status: criteria provided, single submitter. Criteria: Invitae Variant Classification Sherloc (09022015). Collection method: clinical testing. Allele origin: germline.
Comment: In summary, the available evidence is currently insufficient to determine the role of this variant in disease. Therefore, it has been classified as a Variant of Uncertain Significance. Experimental studies and prediction algorithms are not available or were not evaluated, and the functional significance of this variant is currently unknown. This variant has not been reported in the literature in individuals with NF1-related conditions. This variant results in a copy number gain of the genomic region encompassing exon(s) 48-57 of the NF1 gene. The 5' boundary is likely confined to intron 47. The 3' end of this event is unknown as it extends beyond the assayed region for this gene and therefore may encompass additional genes. As the precise location of this event is unknown, it may be in tandem or it may be located elsewhere in the genome.